The following is an entry in ClinVar:

ClinVar aggregate classification (germline): Likely pathogenic (1 of 4 stars; one submission).

Conditions:
Marfan syndrome (MFS). Also called: FBN1-Related Marfan Syndrome; MARFAN SYNDROME, TYPE I; Marfan syndrome type 1; Marfan's syndrome; Marfan syndrome, classic. Identifiers: Orphanet 284963, Orphanet 558, MedGen C0024796, MONDO:0007947, OMIM 154700.
Familial thoracic aortic aneurysm and aortic dissection (TAAD). Also called: Thoracic aortic aneurysms and dissections. Identifiers: Orphanet 91387, MedGen C4707243, MONDO:0019625.

Submission:

Labcorp Genetics (formerly Invitae), Labcorp
Classification: Likely pathogenic for Marfan syndrome; Familial thoracic aortic aneurysm and aortic dissection. Last evaluated: 2025-10-07. Review status: criteria provided, single submitter. Criteria: Invitae Variant Classification Sherloc (09022015). Collection method: clinical testing. Allele origin: germline.
Comment: This sequence change replaces cysteine, which is neutral and slightly polar, with phenylalanine, which is neutral and non-polar, at codon 2427 of the FBN1 protein (p.Cys2427Phe). This variant is not present in population databases (gnomAD no frequency). This variant has not been reported in the literature in individuals affected with FBN1-related conditions. Invitae Evidence Modeling of protein sequence and biophysical properties (such as structural, functional, and spatial information, amino acid conservation, physicochemical variation, residue mobility, and thermodynamic stability) indicates that this missense variant is expected to disrupt FBN1 protein function with a positive predictive value of 95%. This variant affects a cysteine residue in the EGF-like, TGFBP or hybrid motif domains of FBN1. Cysteine residues are believed to be involved in intramolecular disulfide bridges and have been shown to be important for FBN1 protein structure (PMID: 16905551, 19349279). In addition, missense substitutions affecting cysteine residues within these domains are significantly overrepresented among patients with Marfan syndrome (PMID: 16571647, 17701892). In summary, the currently available evidence indicates that the variant is pathogenic, but additional data are needed to prove that conclusively. Therefore, this variant has been classified as Likely Pathogenic.

Literature cited by the submitters: PubMed 16905551; PubMed 19349279; PubMed 16571647; PubMed 17701892.

NM_000138.5(FBN1):c.7280G>T (p.Cys2427Phe)

Gene: FBN1 (fibrillin 1; minus strand). Cytogenetic location: 15q21.1.
Variant type: single nucleotide variant.
Coding change: c.7280G>T on transcript NM_000138.5 (MANE Select); coding-DNA position 7280, G replaced by T.
Protein change: p.Cys2427Phe; replaces cysteine 2427 with phenylalanine.
Molecular consequence: missense variant.
Genome position (GRCh38, 1-based): chr15:48,425,789, C>A on the plus strand (G>T on the coding strand, the complement: FBN1 is on the minus strand). VCF-style: chr15-48425789-C-A. GRCh37 (hg19) VCF-style: chr15-48717986-C-A.
Other names: c.7280G>T, p.Cys2427Phe (NM_001406716.1); short protein forms C2427F.
Identifiers: ClinVar variation 4789635 (VCV004789635.1).